The following is an entry in ClinVar:

NM_138395.4(MARS2):c.686A>C (p.Asn229Thr)

Gene: MARS2 (methionyl-tRNA synthetase 2, mitochondrial; plus strand). Cytogenetic location: 2q33.1.
Variant type: single nucleotide variant.
Coding change: c.686A>C on transcript NM_138395.4 (MANE Select); coding-DNA position 686, A replaced by C.
Protein change: p.Asn229Thr; replaces asparagine 229 with threonine.
Molecular consequence: missense variant.
Genome position (GRCh38, 1-based): chr2:197,706,091, A>C. VCF-style: chr2-197706091-A-C. GRCh37 (hg19) VCF-style: chr2-198570815-A-C.
Other names: short protein forms N229T.
Identifiers: ClinVar variation 1975601 (VCV001975601.5), dbSNP rs552021523, ClinGen allele CA350212874.

ClinVar aggregate classification (germline): Uncertain significance (1 of 4 stars; one submission).

Submission:

Labcorp Genetics (formerly Invitae), Labcorp
Classification: Uncertain significance. Last evaluated: 2022-04-06. Review status: criteria provided, single submitter. Criteria: Invitae Variant Classification Sherloc (09022015). Collection method: clinical testing. Allele origin: germline.
Comment: This variant has not been reported in the literature in individuals affected with MARS2-related conditions. This variant is not present in population databases (gnomAD no frequency). This sequence change replaces asparagine, which is neutral and polar, with threonine, which is neutral and polar, at codon 229 of the MARS2 protein (p.Asn229Thr). Algorithms developed to predict the effect of missense changes on protein structure and function (SIFT, PolyPhen-2, Align-GVGD) all suggest that this variant is likely to be tolerated. In summary, the available evidence is currently insufficient to determine the role of this variant in disease. Therefore, it has been classified as a Variant of Uncertain Significance.